The following is an entry in ClinVar:

ClinVar aggregate classification (germline): Conflicting classifications of pathogenicity. Review status: criteria provided, conflicting classifications (1 of 4 stars). 3 submissions from 3 submitters: Uncertain significance (2); Likely benign (1). Last evaluated 2026-01-18.

Conditions:
Severe combined immunodeficiency due to IKK2 deficiency. Also called: Immunodeficiency 15; IMMUNODEFICIENCY 15B. Identifiers: Orphanet 397787, MedGen C4747743, MONDO:0014267, OMIM 615592.

Allele frequency attached by ClinVar (database versions not stated): ExAC 0.00003; gnomAD 0.00007; TOPMed 0.00009; ESP Exome Variant Server 0.00015.
gnomAD v4.1: 55 of 1,581,080 alleles (0.0035%); highest among the groups gnomAD compares: African/African-American, 0.014%; no homozygotes.

Submissions (3):

Labcorp Genetics (formerly Invitae), Labcorp
Classification: Uncertain significance for Severe combined immunodeficiency due to IKK2 deficiency. Last evaluated: 2026-01-18. Review status: criteria provided, single submitter. Criteria: Invitae Variant Classification Sherloc (09022015). Collection method: clinical testing. Allele origin: germline.
Comment: This sequence change falls in intron 13 of the IKBKB gene. It does not directly change the encoded amino acid sequence of the IKBKB protein. It affects a nucleotide within the consensus splice site. This variant is present in population databases (rs199631744, gnomAD 0.02%). This variant has not been reported in the literature in individuals affected with IKBKB-related conditions. ClinVar contains an entry for this variant (Variation ID: 2044502). Variants that disrupt the consensus splice site are a relatively common cause of aberrant splicing (PMID: 17576681, 9536098). Algorithms developed to predict the effect of sequence changes on RNA splicing suggest that this variant may disrupt the consensus splice site. In summary, the available evidence is currently insufficient to determine the role of this variant in disease. Therefore, it has been classified as a Variant of Uncertain Significance.

Women's Health and Genetics/Laboratory Corporation of America, LabCorp
Classification: Uncertain significance. Last evaluated: 2025-10-17. Review status: criteria provided, single submitter. Criteria: LabCorp Variant Classification Summary - May 2015. Collection method: clinical testing. Allele origin: germline.

Blueprint Genetics
Classification: Likely benign. Last evaluated: 2024-03-26. Review status: criteria provided, single submitter. Criteria: ACMG Guidelines, 2015. Collection method: clinical testing. Allele origin: germline.

Literature cited by the submitters: PubMed 17576681 (cited by Labcorp Genetics (formerly Invitae), Labcorp); PubMed 9536098 (cited by Labcorp Genetics (formerly Invitae), Labcorp).

NM_001556.3(IKBKB):c.1364+6G>A

Gene: IKBKB (inhibitor of nuclear factor kappa B kinase subunit beta; plus strand). Cytogenetic location: 8p11.21.
Variant type: single nucleotide variant.
Coding change: c.1364+6G>A on transcript NM_001556.3 (MANE Select); 6 bases into the intron after coding-DNA position 1364, G replaced by A.
Molecular consequence: intron variant.
Genome position (GRCh38, 1-based): chr8:42,318,681, G>A. VCF-style: chr8-42318681-G-A. GRCh37 (hg19) VCF-style: chr8-42176199-G-A.
Other names: c.1187+6G>A (NM_001242778.2); c.1172+6G>A (NM_001190720.3).
Identifiers: ClinVar variation 2044502 (VCV002044502.5), dbSNP rs199631744, ClinGen allele CA4731970.